The following is an entry in ClinVar:

NM_001429.4(EP300):c.635T>C (p.Met212Thr)

Gene: EP300 (EP300 lysine acetyltransferase; plus strand). Cytogenetic location: 22q13.2.
Variant type: single nucleotide variant.
Coding change: c.635T>C on transcript NM_001429.4 (MANE Select); coding-DNA position 635, T replaced by C.
Protein change: p.Met212Thr; replaces methionine 212 with threonine.
Molecular consequence: missense variant.
Genome position (GRCh38, 1-based): chr22:41,117,727, T>C. VCF-style: chr22-41117727-T-C. GRCh37 (hg19) VCF-style: chr22-41513731-T-C.
Other names: c.635T>C, p.Met212Thr (NM_001362843.2); short protein forms M212T.
Identifiers: ClinVar variation 2502678 (VCV002502678.2), dbSNP rs778437552, ClinGen allele CA10252291.

ClinVar aggregate classification (germline): Uncertain significance. Review status: criteria provided, multiple submitters, no conflicts (2 of 4 stars). 2 submissions from 2 submitters: Uncertain significance (2). Last evaluated 2026-07-02.

Conditions:
Inborn genetic diseases. Identifiers: MedGen C0950123, MeSH D030342.

Allele frequency attached by ClinVar (database versions not stated): ExAC 0.00002; gnomAD exomes 0.00001; TOPMed 0.00001.
gnomAD v4.1: 4 of 1,614,198 alleles (0.00025%); highest among the groups gnomAD compares: Admixed American, 0.005%; no homozygotes.

Submissions (2):

Ambry Genetics
Classification: Uncertain significance for Inborn genetic diseases. Last evaluated: 2026-07-02. Review status: criteria provided, single submitter. Criteria: Ambry Variant Classification Scheme 2023. Collection method: clinical testing. Allele origin: germline.
Comment: The c.635T>C (p.M212T) alteration is located in exon 2 (coding exon 2) of the EP300 gene. This alteration results from a T to C substitution at nucleotide position 635, causing the methionine (M) at amino acid position 212 to be replaced by a threonine (T). Based on data from gnomAD, the C allele has an overall frequency of 0.001% (2/251406) total alleles studied. The highest observed frequency was 0.006% (2/34570) of Latino alleles. Based on insufficient or conflicting evidence, the clinical significance of this alteration remains unclear.

GeneDx
Classification: Uncertain significance. Last evaluated: 2022-11-16. Review status: criteria provided, single submitter. Criteria: GeneDx Variant Classification Process June 2021. Collection method: clinical testing. Allele origin: germline. Affected: yes.
Comment: In silico analysis supports that this missense variant has a deleterious effect on protein structure/function; Has not been previously published as pathogenic or benign to our knowledge